The following is an entry in ClinVar:

ClinVar aggregate classification (germline): Uncertain significance (1 of 4 stars; one submission).

Conditions:
Developmental and epileptic encephalopathy, 34 (DEE34). Also called: Early infantile epileptic encephalopathy 34; SLC12A5-Related Epilepsy of Infancy with Migrating Focal Seizures. Identifiers: Orphanet 293181, MedGen C4225257, MONDO:0014718, OMIM 616645.

Submission:

Labcorp Genetics (formerly Invitae), Labcorp
Classification: Uncertain significance for Developmental and epileptic encephalopathy, 34. Last evaluated: 2024-08-13. Review status: criteria provided, single submitter. Criteria: Invitae Variant Classification Sherloc (09022015). Collection method: clinical testing. Allele origin: germline.
Comment: This sequence change replaces aspartic acid, which is acidic and polar, with asparagine, which is neutral and polar, at codon 381 of the SLC12A5 protein (p.Asp381Asn). This variant is present in population databases (rs776238585, gnomAD 0.003%). This variant has not been reported in the literature in individuals affected with SLC12A5-related conditions. Invitae Evidence Modeling of protein sequence and biophysical properties (such as structural, functional, and spatial information, amino acid conservation, physicochemical variation, residue mobility, and thermodynamic stability) indicates that this missense variant is not expected to disrupt SLC12A5 protein function with a negative predictive value of 95%. In summary, the available evidence is currently insufficient to determine the role of this variant in disease. Therefore, it has been classified as a Variant of Uncertain Significance.

NM_020708.5(SLC12A5):c.1141G>A (p.Asp381Asn)

Gene: SLC12A5 (solute carrier family 12 member 5; plus strand). Cytogenetic location: 20q13.12.
Variant type: single nucleotide variant.
Coding change: c.1141G>A on transcript NM_020708.5 (MANE Select); coding-DNA position 1141, G replaced by A.
Protein change: p.Asp381Asn; replaces aspartic acid 381 with asparagine.
Molecular consequence: missense variant.
Genome position (GRCh38, 1-based): chr20:46,043,227, G>A. VCF-style: chr20-46043227-G-A. GRCh37 (hg19) VCF-style: chr20-44671866-G-A.
Other names: c.1210G>A, p.Asp404Asn (NM_001134771.2); short protein forms D381N, D404N.
Identifiers: ClinVar variation 3714558 (VCV003714558.2).